The following is an entry in ClinVar:

NM_000391.4(TPP1):c.966del (p.Thr322_Val323insTer)

Gene: TPP1 (tripeptidyl peptidase 1; minus strand). Cytogenetic location: 11p15.4.
Variant type: Deletion.
Coding change: c.966del on transcript NM_000391.4 (MANE Select); coding-DNA position 966, one base deleted (T; older notation c.966delT).
Protein change: p.Thr322_Val323insTer.
Molecular consequence: frameshift variant.
Genome position (GRCh38, 1-based): chr11:6,616,424, A deleted on the plus strand (T on the coding strand, the reverse complement: TPP1 is on the minus strand). VCF-style (leftmost placement, unchanged base first): chr11-6616423-CA-C. GRCh37 (hg19) VCF-style: chr11-6637654-CA-C.
Identifiers: ClinVar variation 2001644 (VCV002001644.4), dbSNP rs2493798366, ClinGen allele CA2580084009.

ClinVar aggregate classification (germline): Pathogenic (1 of 4 stars; one submission).

Submission:

Labcorp Genetics (formerly Invitae), Labcorp
Classification: Pathogenic. Last evaluated: 2022-06-01. Review status: criteria provided, single submitter. Criteria: Invitae Variant Classification Sherloc (09022015). Collection method: clinical testing. Allele origin: germline.
Comment: Algorithms developed to predict the effect of sequence changes on RNA splicing suggest that this variant may disrupt the consensus splice site. This sequence change creates a premature translational stop signal (p.Val323*) in the TPP1 gene. It is expected to result in an absent or disrupted protein product. Loss-of-function variants in TPP1 are known to be pathogenic (PMID: 10330339). This variant is not present in population databases (gnomAD no frequency). This variant has not been reported in the literature in individuals affected with TPP1-related conditions. For these reasons, this variant has been classified as Pathogenic.

Literature cited by the submitters: PubMed 10330339.